The following is an entry in ClinVar:

NM_003072.5(SMARCA4):c.1706G>A (p.Arg569Gln)

Gene: SMARCA4 (SWI/SNF related BAF chromatin remodeling complex subunit ATPase 4; plus strand). Cytogenetic location: 19p13.2.
Variant type: single nucleotide variant.
Coding change: c.1706G>A on transcript NM_003072.5 (MANE Select); coding-DNA position 1706, G replaced by A.
Protein change: p.Arg569Gln; replaces arginine 569 with glutamine.
Molecular consequence: missense variant. On other transcripts: non-coding transcript variant (1).
Genome position (GRCh38, 1-based): chr19:10,996,325, G>A. VCF-style: chr19-10996325-G-A. GRCh37 (hg19) VCF-style: chr19-11107001-G-A.
Other names: c.1706G>A (NM_001128849.2); c.1706G>A, p.Arg569Gln (NM_001128844.3, NM_001128845.2, NM_001128846.2 and 5 more transcripts); short protein forms R569Q.
Identifiers: ClinVar variation 484868 (VCV000484868.23), dbSNP rs1050237, ClinGen allele CA9203856.

ClinVar aggregate classification (germline): Conflicting classifications of pathogenicity. Review status: criteria provided, conflicting classifications (1 of 4 stars). 8 submissions from 8 submitters: Uncertain significance (6); Likely benign (2). Last evaluated 2026-07-07.

Conditions:
Intellectual disability, autosomal dominant 16 (CSS4). Also called: COFFIN-SIRIS SYNDROME 4. Identifiers: Orphanet 1465, MedGen C3553249, MONDO:0013821, OMIM 614609.
Hereditary cancer-predisposing syndrome. Also called: Tumor predisposition; Neoplastic Syndromes, Hereditary; Hereditary Cancer Syndrome; Hereditary neoplastic syndrome. Identifiers: Orphanet 140162, MedGen C0027672, MeSH D009386, MONDO:0015356.
Otosclerosis 12. Identifiers: MedGen C5935610, MONDO:0968980, OMIM 620792.
Rhabdoid tumor predisposition syndrome 2 (RTPS2). Identifiers: Orphanet 231108, Orphanet 69077, MedGen C2750074, MONDO:0013224, OMIM 613325.

Allele frequency attached by ClinVar (database versions not stated): gnomAD exomes 0.00001; TOPMed 0.00001; gnomAD 0.00002; ExAC 0.00001.
gnomAD v4.1: 16 of 1,614,078 alleles (0.00099%); highest among the groups gnomAD compares: Admixed American, 0.0017%; no homozygotes.

Submissions (8):

Myriad Genetics, Inc.
Classification: Likely benign for Rhabdoid tumor predisposition syndrome 2. Last evaluated: 2026-07-07. Review status: criteria provided, single submitter. Criteria: Myriad Autosomal Dominant, Autosomal Recessive and X-Linked Classification Criteria (2023). Collection method: clinical testing. Allele origin: unknown.
Comment: This variant is considered likely benign. This variant has been observed at a population frequency that is significantly greater than expected given the associated disease prevalence and penetrance.

Labcorp Genetics (formerly Invitae), Labcorp
Classification: Uncertain significance for Rhabdoid tumor predisposition syndrome 2. Last evaluated: 2025-09-27. Review status: criteria provided, single submitter. Criteria: Invitae Variant Classification Sherloc (09022015). Collection method: clinical testing. Allele origin: germline.
Comment: This sequence change replaces arginine, which is basic and polar, with glutamine, which is neutral and polar, at codon 569 of the SMARCA4 protein (p.Arg569Gln). This variant is present in population databases (rs1050237, gnomAD 0.003%). This missense change has been observed in individual(s) with SMARCA4-related conditions (PMID: 37500730). ClinVar contains an entry for this variant (Variation ID: 484868). Invitae Evidence Modeling of protein sequence and biophysical properties (such as structural, functional, and spatial information, amino acid conservation, physicochemical variation, residue mobility, and thermodynamic stability) indicates that this missense variant is not expected to disrupt SMARCA4 protein function with a negative predictive value of 95%. In summary, the available evidence is currently insufficient to determine the role of this variant in disease. Therefore, it has been classified as a Variant of Uncertain Significance.

Fulgent Genetics
Classification: Uncertain significance for Rhabdoid tumor predisposition syndrome 2; Intellectual disability, autosomal dominant 16; Otosclerosis 12. Last evaluated: 2024-05-26. Review status: criteria provided, single submitter. Criteria: ACMG Guidelines, 2015. Collection method: clinical testing. Allele origin: germline.

GeneDx
Classification: Uncertain significance. Last evaluated: 2023-10-19. Review status: criteria provided, single submitter. Criteria: GeneDx Variant Classification Process June 2021. Collection method: clinical testing. Allele origin: germline.
Comment: In silico analysis supports that this missense variant does not alter protein structure/function; Has not been previously published as pathogenic or benign to our knowledge

Baylor Genetics
Classification: Uncertain significance for Rhabdoid tumor predisposition syndrome 2. Last evaluated: 2023-08-18. Review status: criteria provided, single submitter. Criteria: ACMG Guidelines, 2015. Collection method: clinical testing. Allele origin: unknown.

Genome-Nilou Lab
Classification: Uncertain significance for Intellectual disability, autosomal dominant 16. Last evaluated: 2021-07-15. Review status: criteria provided, single submitter. Criteria: ACMG Guidelines, 2015. Collection method: clinical testing. Allele origin: germline. Affected: no.

Revvity Omics, Revvity
Classification: Uncertain significance for Intellectual disability, autosomal dominant 16. Last evaluated: 2021-06-24. Review status: criteria provided, single submitter. Criteria: ACMG Guidelines, 2015. Collection method: clinical testing. Allele origin: germline.

Ambry Genetics
Classification: Likely benign for Hereditary cancer-predisposing syndrome. Last evaluated: 2021-05-07. Review status: criteria provided, single submitter. Criteria: Ambry Variant Classification Scheme 2023. Collection method: clinical testing. Allele origin: germline.

Literature cited by the submitters: PubMed 37500730 (cited by Labcorp Genetics (formerly Invitae), Labcorp); PubMed 29641532 (cited by Ambry Genetics).